The following is an entry in ClinVar:

ClinVar aggregate classification (germline): Uncertain significance. Review status: criteria provided, multiple submitters, no conflicts (2 of 4 stars). 3 submissions from 3 submitters: Uncertain significance (3). Last evaluated 2025-11-15.

Conditions:
Inborn genetic diseases. Identifiers: MedGen C0950123, MeSH D030342.
Autosomal recessive severe congenital neutropenia due to CSF3R deficiency. Also called: Neutropenia, severe congenital, 7, autosomal recessive. Identifiers: Orphanet 420702, MedGen C4310764, MONDO:0014865, OMIM 617014.

Allele frequency attached by ClinVar (database versions not stated): gnomAD exomes below 0.00001.
gnomAD v4.1: 4 of 1,614,230 alleles (0.00025%); highest among the groups gnomAD compares: Non-Finnish European, 0.00034%; no homozygotes.

Submissions (3):

Mayo Clinic Laboratories, Mayo Clinic
Classification: Uncertain significance. Last evaluated: 2025-11-15. Review status: criteria provided, single submitter. Criteria: ACMG Guidelines, 2015. Collection method: clinical testing. Allele origin: germline. Observed: 1 variant allele.
Comment: BP4_moderate, PM2_supporting

Ambry Genetics
Classification: Uncertain significance for Inborn genetic diseases. Last evaluated: 2024-04-12. Review status: criteria provided, single submitter. Criteria: Ambry Variant Classification Scheme 2023. Collection method: clinical testing. Allele origin: germline.

Labcorp Genetics (formerly Invitae), Labcorp
Classification: Uncertain significance for Autosomal recessive severe congenital neutropenia due to CSF3R deficiency. Last evaluated: 2023-06-27. Review status: criteria provided, single submitter. Criteria: Invitae Variant Classification Sherloc (09022015). Collection method: clinical testing. Allele origin: germline.
Comment: This sequence change replaces valine, which is neutral and non-polar, with leucine, which is neutral and non-polar, at codon 373 of the CSF3R protein (p.Val373Leu). This variant is present in population databases (no rsID available, gnomAD 0.0009%). In summary, the available evidence is currently insufficient to determine the role of this variant in disease. Therefore, it has been classified as a Variant of Uncertain Significance. Advanced modeling of protein sequence and biophysical properties (such as structural, functional, and spatial information, amino acid conservation, physicochemical variation, residue mobility, and thermodynamic stability) performed at Invitae indicates that this missense variant is not expected to disrupt CSF3R protein function. This variant has not been reported in the literature in individuals affected with CSF3R-related conditions.

NM_000760.4(CSF3R):c.1117G>C (p.Val373Leu)

Gene: CSF3R (colony stimulating factor 3 receptor; minus strand). Cytogenetic location: 1p34.3.
Variant type: single nucleotide variant.
Coding change: c.1117G>C on transcript NM_000760.4 (MANE Select); coding-DNA position 1117, G replaced by C.
Protein change: p.Val373Leu; replaces valine 373 with leucine.
Molecular consequence: missense variant.
Genome position (GRCh38, 1-based): chr1:36,471,601, C>G on the plus strand (G>C on the coding strand, the complement: CSF3R is on the minus strand). VCF-style: chr1-36471601-C-G. GRCh37 (hg19) VCF-style: chr1-36937202-C-G.
Other names: p.Val373Leu; c.1117G>C (NM_000760.3); c.1117G>C, p.Val373Leu (NM_156039.3, NM_172313.3); short protein forms V373L.
Identifiers: ClinVar variation 2730476 (VCV002730476.5), dbSNP rs1229194976, ClinGen allele CA339421947.